The following is an entry in ClinVar:

ClinVar aggregate classification (germline): Uncertain significance. Review status: criteria provided, multiple submitters, no conflicts (2 of 4 stars). 2 submissions from 2 submitters: Uncertain significance (2). Last evaluated 2025-12-15.

gnomAD v4.1: 11 of 1,613,836 alleles (0.00068%); highest among the groups gnomAD compares: Middle Eastern, 0.033%; no homozygotes.

Submissions (2):

Ambry Genetics
Classification: Uncertain significance. Last evaluated: 2025-12-15. Review status: criteria provided, single submitter. Criteria: Ambry Variant Classification Scheme 2023. Collection method: clinical testing. Allele origin: germline.

Labcorp Genetics (formerly Invitae), Labcorp
Classification: Uncertain significance. Last evaluated: 2025-07-07. Review status: criteria provided, single submitter. Criteria: Invitae Variant Classification Sherloc (09022015). Collection method: clinical testing. Allele origin: germline.
Comment: This sequence change replaces alanine, which is neutral and non-polar, with valine, which is neutral and non-polar, at codon 575 of the ANKZF1 protein (p.Ala575Val). This variant is not present in population databases (gnomAD no frequency). This variant has not been reported in the literature in individuals affected with ANKZF1-related conditions. ClinVar contains an entry for this variant (Variation ID: 3607788). An algorithm developed to predict the effect of missense changes on protein structure and function (PolyPhen-2) suggests that this variant is likely to be disruptive. In summary, the available evidence is currently insufficient to determine the role of this variant in disease. Therefore, it has been classified as a Variant of Uncertain Significance.

NM_018089.3(ANKZF1):c.1724C>T (p.Ala575Val)

Gene: ANKZF1 (ankyrin repeat and zinc finger peptidyl tRNA hydrolase 1; plus strand). Cytogenetic location: 2q35.
Variant type: single nucleotide variant.
Coding change: c.1724C>T on transcript NM_018089.3 (MANE Select); coding-DNA position 1724, C replaced by T.
Protein change: p.Ala575Val; replaces alanine 575 with valine.
Molecular consequence: missense variant.
Genome position (GRCh38, 1-based): chr2:219,235,506, C>T. VCF-style: chr2-219235506-C-T. GRCh37 (hg19) VCF-style: chr2-220100228-C-T.
Other names: c.1724C>T, p.Ala575Val (NM_001042410.2); c.1094C>T, p.Ala365Val (NM_001282792.2); c.1724C>T (NM_018089.2); short protein forms A365V, A575V.
Identifiers: ClinVar variation 3607788 (VCV003607788.3).